The following is an entry in ClinVar:

NM_003640.5(ELP1):c.190C>G (p.Pro64Ala)

Gene: ELP1 (elongator acetyltransferase complex subunit 1; minus strand). Cytogenetic location: 9q31.3.
Variant type: single nucleotide variant.
Coding change: c.190C>G on transcript NM_003640.5 (MANE Select); coding-DNA position 190, C replaced by G.
Protein change: p.Pro64Ala; replaces proline 64 with alanine.
Molecular consequence: missense variant. On other transcripts: 5 prime UTR variant (2).
Genome position (GRCh38, 1-based): chr9:108,929,882, G>C on the plus strand (C>G on the coding strand, the complement: ELP1 is on the minus strand). VCF-style: chr9-108929882-G-C. GRCh37 (hg19) VCF-style: chr9-111692162-G-C.
Other names: c.-153C>G (NM_001318360.2); c.-670C>G (NM_001330749.2); short protein forms P64A.
Identifiers: ClinVar variation 1983458 (VCV001983458.1), dbSNP rs758948098, ClinGen allele CA5175436.

ClinVar aggregate classification (germline): Uncertain significance (1 of 4 stars; one submission).

Allele frequency attached by ClinVar (database versions not stated): TOPMed below 0.00001; ExAC 0.00003; gnomAD exomes 0.00003; gnomAD 0.00010.
gnomAD v4.1: 63 of 1,613,680 alleles (0.0039%); highest among the groups gnomAD compares: Non-Finnish European, 0.00017%; no homozygotes.

Submission:

Labcorp Genetics (formerly Invitae), Labcorp
Classification: Uncertain significance. Last evaluated: 2022-05-16. Review status: criteria provided, single submitter. Criteria: Invitae Variant Classification Sherloc (09022015). Collection method: clinical testing. Allele origin: germline.
Comment: This sequence change replaces proline, which is neutral and non-polar, with alanine, which is neutral and non-polar, at codon 64 of the ELP1 protein (p.Pro64Ala). This variant is present in population databases (rs758948098, gnomAD 0.07%). This variant has not been reported in the literature in individuals affected with ELP1-related conditions. Algorithms developed to predict the effect of missense changes on protein structure and function are either unavailable or do not agree on the potential impact of this missense change (SIFT: "Tolerated"; PolyPhen-2: "Probably Damaging"; Align-GVGD: "Class C0"). In summary, the available evidence is currently insufficient to determine the role of this variant in disease. Therefore, it has been classified as a Variant of Uncertain Significance.